The following is an entry in ClinVar:

ClinVar aggregate classification (germline): Likely pathogenic (1 of 4 stars; one submission).

Allele frequency attached by ClinVar (database versions not stated): TOPMed below 0.00001.
gnomAD v4.1: 1 of 1,430,908 alleles (0.00007%); highest among the groups gnomAD compares: Non-Finnish European, 0.000092%; no homozygotes.

Submission:

Labcorp Genetics (formerly Invitae), Labcorp
Classification: Likely pathogenic. Last evaluated: 2023-01-26. Review status: criteria provided, single submitter. Criteria: Invitae Variant Classification Sherloc (09022015). Collection method: clinical testing. Allele origin: germline.
Comment: This variant has not been reported in the literature in individuals affected with TONSL-related conditions. Algorithms developed to predict the effect of sequence changes on RNA splicing suggest that this variant may disrupt the consensus splice site. In summary, the currently available evidence indicates that the variant is pathogenic, but additional data are needed to prove that conclusively. Therefore, this variant has been classified as Likely Pathogenic. This variant is not present in population databases (gnomAD no frequency). This sequence change affects an acceptor splice site in intron 1 of the TONSL gene. It is expected to disrupt RNA splicing. Variants that disrupt the donor or acceptor splice site typically lead to a loss of protein function (PMID: 16199547), and loss-of-function variants in TONSL are known to be pathogenic (PMID: 30773277).

Literature cited by the submitters: PubMed 16199547; PubMed 30773277.

NM_013432.5(TONSL):c.26-1G>T

Genes: TONSL (tonsoku like, DNA repair protein; minus strand), LOC130001399 (ATAC-STARR-seq lymphoblastoid silent region 19685; plus strand). Cytogenetic location: 8q24.3.
Variant type: single nucleotide variant.
Coding change: c.26-1G>T on transcript NM_013432.5 (MANE Select); the canonical splice acceptor site of the intron before coding-DNA position 26, G replaced by T.
Molecular consequence: splice acceptor variant.
Genome position (GRCh38, 1-based): chr8:144,444,276, C>A on the plus strand (G>T on the coding strand, the complement: TONSL is on the minus strand). VCF-style: chr8-144444276-C-A. GRCh37 (hg19) VCF-style: chr8-145669659-C-A.
Identifiers: ClinVar variation 2853393 (VCV002853393.3), dbSNP rs1823827684, ClinGen allele CA372680144.